The following is an entry in ClinVar:

ClinVar aggregate classification (germline): Uncertain significance (1 of 4 stars; one submission).

Allele frequency attached by ClinVar (database versions not stated): 1000 Genomes Project 30x 0.00031.
gnomAD v4.1: 5 of 1,315,244 alleles (0.00038%); highest among the groups gnomAD compares: South Asian, 0.01%; no homozygotes.

Submission:

Labcorp Genetics (formerly Invitae), Labcorp
Classification: Uncertain significance. Last evaluated: 2022-08-10. Review status: criteria provided, single submitter. Criteria: Invitae Variant Classification Sherloc (09022015). Collection method: clinical testing. Allele origin: germline.
Comment: This sequence change replaces proline, which is neutral and non-polar, with serine, which is neutral and polar, at codon 51 of the DGAT1 protein (p.Pro51Ser). This variant is not present in population databases (gnomAD no frequency). This variant has not been reported in the literature in individuals affected with DGAT1-related conditions. ClinVar contains an entry for this variant (Variation ID: 1499313). Algorithms developed to predict the effect of missense changes on protein structure and function are either unavailable or do not agree on the potential impact of this missense change (SIFT: "Tolerated"; PolyPhen-2: "Not Available"; Align-GVGD: "Class C0"). In summary, the available evidence is currently insufficient to determine the role of this variant in disease. Therefore, it has been classified as a Variant of Uncertain Significance.

NM_012079.6(DGAT1):c.151C>T (p.Pro51Ser)

Genes: DGAT1 (diacylglycerol O-acyltransferase 1; minus strand), LOC130001385 (ATAC-STARR-seq lymphoblastoid silent region 19672; plus strand). Cytogenetic location: 8q24.3.
Variant type: single nucleotide variant.
Coding change: c.151C>T on transcript NM_012079.6 (MANE Select); coding-DNA position 151, C replaced by T.
Protein change: p.Pro51Ser; replaces proline 51 with serine.
Molecular consequence: missense variant.
Genome position (GRCh38, 1-based): chr8:144,326,486, G>A on the plus strand (C>T on the coding strand, the complement: DGAT1 is on the minus strand). VCF-style: chr8-144326486-G-A. GRCh37 (hg19) VCF-style: chr8-145550149-G-A.
Other names: short protein forms P51S.
Identifiers: ClinVar variation 1499313 (VCV001499313.5), dbSNP rs564043345, ClinGen allele CA372613289.